The following is an entry in ClinVar:

NM_000204.5(CFI):c.772G>A (p.Ala258Thr)

Gene: CFI (complement factor I; minus strand). Cytogenetic location: 4q25.
Variant type: single nucleotide variant.
Coding change: c.772G>A on transcript NM_000204.5 (MANE Select); coding-DNA position 772, G replaced by A.
Protein change: p.Ala258Thr; replaces alanine 258 with threonine.
Molecular consequence: missense variant. On other transcripts: non-coding transcript variant (3).
Genome position (GRCh38, 1-based): chr4:109,760,523, C>T on the plus strand (G>A on the coding strand, the complement: CFI is on the minus strand). VCF-style: chr4-109760523-C-T. GRCh37 (hg19) VCF-style: chr4-110681679-C-T.
Other names: p.Ala258Thr; IVS5DS G-A, -1; c.772G>A (NM_000204.3, NM_000204.4); c.772G>A, p.Ala258Thr (NM_001318057.2, NM_001331035.2, NM_001375278.1 and 5 more transcripts); c.163G>A, p.Ala55Thr (NM_001375284.1); short protein forms A258T, A55T.
Identifiers: ClinVar variation 1451295 (VCV001451295.21), dbSNP rs199688124, ClinGen allele CA3042191.

ClinVar aggregate classification (germline): Pathogenic/Likely pathogenic. Review status: criteria provided, multiple submitters, no conflicts (2 of 4 stars). 12 submissions from 12 submitters: Pathogenic (10); Likely pathogenic (1). 1 of the submissions does not count toward it. Last evaluated 2026-08-10.

Conditions:
Age related macular degeneration 13. Identifiers: MedGen C3809523, MONDO:0014189, OMIM 615439.
Atypical hemolytic-uremic syndrome with I factor anomaly. Also called: HEMOLYTIC UREMIC SYNDROME, ATYPICAL, SUSCEPTIBILITY TO, 3; AHUS, SUSCEPTIBILITY TO, 3. Identifiers: Orphanet 2134, MedGen C2752039, MONDO:0013041, OMIM 612923.
Factor I deficiency (CFID). Also called: Complement factor I deficiency. Identifiers: Orphanet 200418, MedGen C3463916, MONDO:0012594, OMIM 610984.
CFI-related disorder. Also called: CFI-related condition; CFI-related disorders. Identifiers: MedGen CN239325.

Allele frequency attached by ClinVar (database versions not stated): gnomAD exomes 0.00010 and 0.00011; TOPMed 0.00010; ExAC 0.00011; gnomAD 0.00013 and 0.00014; ESP Exome Variant Server 0.00031.
gnomAD v4.1: 178 of 1,567,416 alleles (0.011%); highest among the groups gnomAD compares: Non-Finnish European, 0.015%; no homozygotes.

Submissions (13):

Clinical Immunology, Karolinska University Hospital
Classification: Pathogenic for Factor I deficiency. Last evaluated: 2026-08-10. Review status: criteria provided, single submitter. Criteria: ACMG Guidelines, 2015. Collection method: clinical testing. Allele origin: germline. Inheritance: Autosomal recessive inheritance. Affected: yes.
Comment: PVS1_Strong (the variant disrupts normal splicing, resulting in exon 5 skipping and a loss-of-function transcript), PM2 (gnomAD (v4.1 non-UKB) frequency in European population = 0,0002), PM3 (in trans with a LP variant), PP4_Strong (strong phenotypic evidences: almost absent complement AP and low CFI)

GeneDx
Classification: Pathogenic. Last evaluated: 2026-03-09. Review status: criteria provided, single submitter. Criteria: GeneDx Variant Classification Process June 2021. Collection method: clinical testing. Allele origin: germline.
Comment: RNA studies demonstrate a damaging effect: skipping of exon 5 (PMID: 8613545); In silico analysis supports that this missense variant has a deleterious effect on protein structure/function; This variant is associated with the following publications: (PMID: 37363824, 18374984, 28942469, 37369098, 32342491, 32516404, 31440263, 8613545, 20059470, 24036952, 31231365, 29888403, 32510551, 32640035, 34153144, 32853637, 35619721, 39238643, 32908800)

Labcorp Genetics (formerly Invitae), Labcorp
Classification: Pathogenic. Last evaluated: 2026-01-05. Review status: criteria provided, single submitter. Criteria: Invitae Variant Classification Sherloc (09022015). Collection method: clinical testing. Allele origin: germline.
Comment: This sequence change replaces alanine, which is neutral and non-polar, with threonine, which is neutral and polar, at codon 258 of the CFI protein (p.Ala258Thr). RNA analysis indicates that this missense change induces altered splicing and likely results in a shortened protein product. This variant is present in population databases (rs199688124, gnomAD 0.02%). This missense change has been observed in individual(s) with CFI-related conditions (PMID: 8613545, 18374984, 22710145, 26826462, 29888403). It has also been observed to segregate with disease in related individuals. This variant is also known as 801-A. ClinVar contains an entry for this variant (Variation ID: 1451295). An algorithm developed to predict the effect of missense changes on protein structure and function (PolyPhen-2) suggests that this variant is likely to be tolerated. Variants that disrupt the consensus splice site are a relatively common cause of aberrant splicing (PMID: 17576681, 9536098). Studies have shown that this missense change results in skipping of exon 5, but is expected to preserve the integrity of the reading-frame (PMID: 8613545, 18374984). For these reasons, this variant has been classified as Pathogenic.

Genomenon, Inc
Classification: Pathogenic for CFI-related disorder. Last evaluated: 2025-09-26. Review status: criteria provided, single submitter. Criteria: Genomenon Sequence Variant Interpretation Standards - Updated. Collection method: curation. Allele origin: germline. Affected: yes.
Comment: CFI p.Ala258Thr (c.772G>A) is a missense variant that changes the amino acid at residue 258 from Alanine to Threonine. This variant has been observed in at least one proband affected with a CFI-related disorder (PMID:35619721;26826462;20059470;33912760;32342491;18374984;22710145;32640035;19065647;32853637;8613545). The variant was found to segregate with disease in at least one affected family (PMID:18374984). At least one splicing study identified that this variant results in aberrant splicing (PMID:39238643;8613545). Functional studies have been reported; however, the significance of the findings remain unclear (PMID:37363824;32510551;32908800). The variant is located in a mutational hotspot. It is absent or not present at a significant frequency in gnomAD. In conclusion, we classify CFI p.Ala258Thr (c.772G>A) as a pathogenic variant.

Women's Health and Genetics/Laboratory Corporation of America, LabCorp
Classification: Pathogenic for Factor I deficiency. Last evaluated: 2025-07-02. Review status: criteria provided, single submitter. Criteria: LabCorp Variant Classification Summary - May 2015. Collection method: clinical testing. Allele origin: germline.
Comment: Variant summary: CFI c.772G>A (p.Ala258Thr) results in a non-conservative amino acid change in the encoded protein sequence. Algorithms developed to predict the effect of missense changes on protein structure and function all suggest that this variant is likely to be disruptive. Several computational tools predict a significant impact on normal splicing: Four predict the variant abolishes a canonical 5' splicing donor site. A study has shown the mutation c.772G>A results in skipping of exon 5 (Ponce-Castro_2008). The variant allele was found at a frequency of 9.5e-05 in 251386 control chromosomes. This frequency is not significantly higher than estimated for a pathogenic variant in CFI causing Complement Factor I Deficiency (9.5e-05 vs 0.0011), allowing no conclusion about variant significance. c.772G>A has been observed in multiple individuals affected with Complement Factor I Deficiency (examples: Ponce-Castro_2008 and Naesens_2021). These data indicate that the variant is very likely to be associated with disease. The following publications have been ascertained in the context of this evaluation (PMID: 18374984, 32853637). ClinVar contains an entry for this variant (Variation ID: 1451295). Based on the evidence outlined above, the variant was classified as pathogenic.

3billion
Classification: Pathogenic for Factor I deficiency. Last evaluated: 2025-03-21. Review status: criteria provided, single submitter. Criteria: ACMG Guidelines, 2015. Collection method: clinical testing. Allele origin: germline. Affected: yes.
Comment: The variant is observed at an extremely low frequency in the gnomAD v4.1.0 dataset (total allele frequency: 0.011%). Predicted Consequence/Location: Missense variant. The majority of the known disease-causing variants of this gene are variants expected to result in premature termination of the protein. Functional studies provide supporting evidence of the variant having a damaging effect on the gene or gene product (PMID: 17576681, 9536098). In silico tools predict the variant to alter splicing and produce an abnormal transcript [SpliceAI: 0.81 (>=0.2, moderate evidence for spliceogenicity)]. The same nucleotide change resulting in the same amino acid change has been previously reported as pathogenic/likely pathogenic with strong evidence (ClinVar ID: VCV001451295 / PMID: 24036952). The variant has been observed in at least two similarly affected unrelated individuals (PMID: 18374984, 22710145, 26826462, 29888403, 8613545). Therefore, this variant is classified as Pathogenic according to the recommendation of ACMG/AMP guideline.

Genetic Services Laboratory, University of Chicago
Classification: Pathogenic. Last evaluated: 2024-12-30. Review status: criteria provided, single submitter. Criteria: ACMG Guidelines, 2015. Collection method: clinical testing. Allele origin: germline. Affected: yes.
Comment: DNA sequence analysis of the CFI gene demonstrated a sequence change, c.772G>A, in exon 5 that results in an amino acid change, p.Ala258Thr. The p.Ala258Thr change affects a poorly conserved amino acid residue located in a domain of the CFI protein that is known to be functional. The p.Ala258Thr substitution appears to be benign using several in-silico pathogenicity prediction tools (SIFT, PolyPhen2, Align GVGD, REVEL). This sequence change has previously been described in individuals with CFI-related conditions (PMID: 8613545, 18374984, 22710145, 26826462, 29888403). Based on in-silico splice prediction programs, this sequence change likely affects normal splicing of the CFI gene. Functional studies have shown that this change results in skipping of exon 5 (PMID: 17576681, 9536098). This sequence change has been described in the gnomAD database with a frequency of 0.024% in the European subpopulation (dbSNP rs199688124). These collective evidences indicate that this sequence change is pathogenic.

PreventionGenetics, part of Exact Sciences
Classification: Pathogenic for CFI-related condition. Last evaluated: 2024-12-26. Review status: criteria provided, single submitter. Criteria: ACMG Guidelines, 2015. Collection method: clinical testing. Allele origin: germline.
Comment: The CFI c.772G>A variant is predicted to result in the amino acid substitution p.Ala258Thr. This variant has been reported in individuals with complement factor I deficiency, aHUS, and age-related macular degeneration (see for example - Seddon et al. 2013. PubMed ID: 24036952; de Jong et al. 2020. PubMed ID: 32510551; Naesens et al. 2020. PubMed ID: 32853637; Java et al. 2020. PubMed ID: 32908800; Khan et al. 2021. PubMed ID: 34153144). This variant is the final nucleotide of the exon and functional studies found this variant causes exon skipping (Ponce-Castro et al. 2008. PubMed ID: 18374984). This variant is reported in 0.024% of alleles in individuals of European (Non-Finnish) descent in gnomAD. This variant is interpreted as pathogenic.

Blueprint Genetics
Classification: Pathogenic for CFI-related disorders. Last evaluated: 2024-09-23. Review status: criteria provided, single submitter. Criteria: ACMG Guidelines, 2015. Collection method: clinical testing. Allele origin: germline. Affected: yes. Observed: 5 variant alleles.

Fulgent Genetics
Classification: Likely pathogenic for Factor I deficiency; Atypical hemolytic-uremic syndrome with I factor anomaly; Age related macular degeneration 13. Last evaluated: 2024-04-07. Review status: criteria provided, single submitter. Criteria: ACMG Guidelines, 2015. Collection method: clinical testing. Allele origin: germline.

Mayo Clinic Laboratories, Mayo Clinic
Classification: Pathogenic. Last evaluated: 2023-01-30. Review status: criteria provided, single submitter. Criteria: ACMG Guidelines, 2015. Collection method: clinical testing. Allele origin: germline. Observed: 1 variant allele.
Comment: PP4, PM3_strong, PVS1_strong

OMIM
Classification: Pathogenic for COMPLEMENT FACTOR I DEFICIENCY. Last evaluated: 1996-02-15. Review status: no assertion criteria provided. Collection method: literature only. Allele origin: germline. Not counted in ClinVar's aggregate classification.

Dr. Peter K. Rogan Lab, Western University
No classification provided (evidence only). Condition: Colon adenocarcinoma. Review status: no classification provided. Collection method: in vitro. Allele origin: not applicable. Functional consequence: skipped exon. Not counted in ClinVar's aggregate classification.

Literature cited by the submitters: PubMed 8613545 (cited by 4 submitters); PubMed 18374984 (cited by 4 submitters); PubMed 22710145 (cited by 3 submitters); PubMed 26826462 (cited by 3 submitters); PubMed 29888403 (cited by 3 submitters); PubMed 17576681 (cited by Labcorp Genetics (formerly Invitae), Labcorp and 3billion); PubMed 9536098 (cited by Labcorp Genetics (formerly Invitae), Labcorp and 3billion); PubMed 35619721 (cited by Genomenon, Inc and Mayo Clinic Laboratories, Mayo Clinic); 26826462 (cited by Genomenon, Inc); 20059470 (cited by Genomenon, Inc); 33912760 (cited by Genomenon, Inc); 32342491 (cited by Genomenon, Inc); 18374984 (cited by Genomenon, Inc); 22710145 (cited by Genomenon, Inc); 32640035 (cited by Genomenon, Inc); 19065647 (cited by Genomenon, Inc); 32853637 (cited by Genomenon, Inc); 8613545 (cited by Genomenon, Inc); 39238643 (cited by Genomenon, Inc); 37363824 (cited by Genomenon, Inc); 32510551 (cited by Genomenon, Inc); 32908800 (cited by Genomenon, Inc); PubMed 32853637 (cited by Women's Health and Genetics/Laboratory Corporation of America, LabCorp and Mayo Clinic Laboratories, Mayo Clinic); PubMed 24036952 (cited by 3billion); PubMed 25788521 (cited by Mayo Clinic Laboratories, Mayo Clinic); PubMed 32510551 (cited by Mayo Clinic Laboratories, Mayo Clinic); PubMed 32908800 (cited by Mayo Clinic Laboratories, Mayo Clinic); PubMed 849647 (cited by OMIM).